The following is an entry in ClinVar:

NM_004523.4(KIF11):c.1937C>A (p.Ser646Tyr)

Gene: KIF11 (kinesin family member 11; plus strand). Cytogenetic location: 10q23.33.
Variant type: single nucleotide variant.
Coding change: c.1937C>A on transcript NM_004523.4 (MANE Select); coding-DNA position 1937, C replaced by A.
Protein change: p.Ser646Tyr; replaces serine 646 with tyrosine.
Molecular consequence: missense variant.
Genome position (GRCh38, 1-based): chr10:92,637,245, C>A. VCF-style: chr10-92637245-C-A. GRCh37 (hg19) VCF-style: chr10-94397002-C-A.
Other names: short protein forms S646Y.
Identifiers: ClinVar variation 967696 (VCV000967696.9), dbSNP rs1844813948, ClinGen allele CA377593036.
Genomic context (GRCh38, chr10:92,637,245, plus strand): 5'-ATGTACTCAAGACTGATCTTCTAAGTTCACTGGAAATGATTTTATCCCCAACTGTGGTGT[C>A]TATACTGAAAATCAATAGTCAACTAAAGCATATTTTCAAGACTTCATTGACAGTGGCCGA-3'
Protein context (NP_004514.2, residues 636-656): LEMILSPTVV[Ser646Tyr]ILKINSQLKH

ClinVar aggregate classification (germline): Uncertain significance (1 of 4 stars; one submission).

Submission:

Labcorp Genetics (formerly Invitae), Labcorp
Classification: Uncertain significance. Last evaluated: 2019-10-30. Review status: criteria provided, single submitter. Criteria: Invitae Variant Classification Sherloc (09022015). Collection method: clinical testing. Allele origin: germline.
Comment: This sequence change replaces serine with tyrosine at codon 646 of the KIF11 protein (p.Ser646Tyr). The serine residue is highly conserved and there is a large physicochemical difference between serine and tyrosine. This variant is not present in population databases (ExAC no frequency). In summary, the available evidence is currently insufficient to determine the role of this variant in disease. Therefore, it has been classified as a Variant of Uncertain Significance. Algorithms developed to predict the effect of missense changes on protein structure and function (SIFT, PolyPhen-2, Align-GVGD) all suggest that this variant is likely to be tolerated, but these predictions have not been confirmed by published functional studies and their clinical significance is uncertain. This variant has not been reported in the literature in individuals with KIF11-related conditions.